The following is an entry in ClinVar:

ClinVar aggregate classification (germline): Pathogenic (1 of 4 stars; one submission).

Conditions:
Alagille syndrome due to a JAG1 point mutation. Also called: HEPATIC DUCTULAR HYPOPLASIA, SYNDROMATIC; JAG1-Related Alagille Syndrome; Alagille Syndrome 1. Identifiers: Orphanet 261619, Orphanet 52, MedGen C1956125, MONDO:0016862, OMIM 118450.

Submission:

Labcorp Genetics (formerly Invitae), Labcorp
Classification: Pathogenic for Alagille syndrome due to a JAG1 point mutation. Last evaluated: 2018-10-13. Review status: criteria provided, single submitter. Criteria: Invitae Variant Classification Sherloc (09022015). Collection method: clinical testing. Allele origin: germline.
Comment: This sequence change creates a premature translational stop signal (p.Cys844*) in the JAG1 gene. It is expected to result in an absent or disrupted protein product. This variant is not present in population databases (ExAC no frequency). This variant has not been reported in the literature in individuals with JAG1-related disease. Algorithms developed to predict the effect of sequence changes on RNA splicing suggest that this variant may create or strengthen a splice site, but this prediction has not been confirmed by published transcriptional studies. Loss-of-function variants in JAG1 are known to be pathogenic (PMID: 11180599). For these reasons, this variant has been classified as Pathogenic.

Literature cited by the submitters: PubMed 11180599.

NM_000214.3(JAG1):c.2532T>A (p.Cys844Ter)

Gene: JAG1 (jagged canonical Notch ligand 1; minus strand). Cytogenetic location: 20p12.2.
Variant type: single nucleotide variant.
Coding change: c.2532T>A on transcript NM_000214.3 (MANE Select); coding-DNA position 2532, T replaced by A.
Protein change: p.Cys844Ter; replaces cysteine 844 with a stop codon.
Molecular consequence: nonsense.
Genome position (GRCh38, 1-based): chr20:10,642,528, A>T on the plus strand (T>A on the coding strand, the complement: JAG1 is on the minus strand). VCF-style: chr20-10642528-A-T. GRCh37 (hg19) VCF-style: chr20-10623176-A-T.
Other names: c.2532T>A, p.Cys844Ter (LRG_1191t1); short protein forms C844*.
Identifiers: ClinVar variation 655678 (VCV000655678.6), dbSNP rs1600179855, ClinGen allele CA408245549.